The following is an entry in ClinVar:

NM_003239.5(TGFB3):c.293C>G (p.Ser98Trp)

Gene: TGFB3 (transforming growth factor beta 3; minus strand). Cytogenetic location: 14q24.3.
Variant type: single nucleotide variant.
Coding change: c.293C>G on transcript NM_003239.5 (MANE Select); coding-DNA position 293, C replaced by G.
Protein change: p.Ser98Trp; replaces serine 98 with tryptophan.
Molecular consequence: missense variant.
Genome position (GRCh38, 1-based): chr14:75,980,601, G>C on the plus strand (C>G on the coding strand, the complement: TGFB3 is on the minus strand). VCF-style: chr14-75980601-G-C. GRCh37 (hg19) VCF-style: chr14-76446944-G-C.
Other names: c.293C>G, p.Ser98Trp (NM_001329938.2, NM_001329939.2); short protein forms S98W.
Identifiers: ClinVar variation 1959826 (VCV001959826.5), dbSNP rs142047577, ClinGen allele CA390471042.

ClinVar aggregate classification (germline): Uncertain significance (1 of 4 stars; one submission).

Conditions:
Rienhoff syndrome. Also called: LOEYS-DIETZ SYNDROME 5. Identifiers: MedGen C3810012, MONDO:0014262, OMIM 615582.

gnomAD v4.1: 1 of 1,614,172 alleles (0.000062%); highest among the groups gnomAD compares: Middle Eastern, 0.016%; no homozygotes.

Submission:

Labcorp Genetics (formerly Invitae), Labcorp
Classification: Uncertain significance for Rienhoff syndrome. Last evaluated: 2022-09-23. Review status: criteria provided, single submitter. Criteria: Invitae Variant Classification Sherloc (09022015). Collection method: clinical testing. Allele origin: germline.
Comment: Algorithms developed to predict the effect of missense changes on protein structure and function output the following: SIFT: "Deleterious"; PolyPhen-2: "Benign"; Align-GVGD: "Class C15". The tryptophan amino acid residue is found in multiple mammalian species, which suggests that this missense change does not adversely affect protein function. This sequence change replaces serine, which is neutral and polar, with tryptophan, which is neutral and slightly polar, at codon 98 of the TGFB3 protein (p.Ser98Trp). This variant is present in population databases (no rsID available, gnomAD 0.0009%). This variant has not been reported in the literature in individuals affected with TGFB3-related conditions. In summary, the available evidence is currently insufficient to determine the role of this variant in disease. Therefore, it has been classified as a Variant of Uncertain Significance.